The following is an entry in ClinVar:

NM_005506.4(SCARB2):c.584T>G (p.Ile195Ser)

Gene: SCARB2 (scavenger receptor class B member 2; minus strand). Cytogenetic location: 4q21.1.
Variant type: single nucleotide variant.
Coding change: c.584T>G on transcript NM_005506.4 (MANE Select); coding-DNA position 584, T replaced by G.
Protein change: p.Ile195Ser; replaces isoleucine 195 with serine.
Molecular consequence: missense variant. On other transcripts: intron variant (1).
Genome position (GRCh38, 1-based): chr4:76,179,545, A>C on the plus strand (T>G on the coding strand, the complement: SCARB2 is on the minus strand). VCF-style: chr4-76179545-A-C. GRCh37 (hg19) VCF-style: chr4-77100698-A-C.
Other names: c.276-3635T>G (NM_001204255.2); short protein forms I195S.
Identifiers: ClinVar variation 1514633 (VCV001514633.7), dbSNP rs2109947161, ClinGen allele CA357326698.

ClinVar aggregate classification (germline): Uncertain significance (1 of 4 stars; one submission).

Conditions:
Progressive myoclonic epilepsy. Also called: Familial progressive myoclonic epilepsy; Myoclonic Epilepsies, Progressive; Myoclonus epilepsy; Progressive myoclonus epilepsy. Identifiers: Orphanet 308, Orphanet 98261, MedGen C0751778, MONDO:0020074.

gnomAD v4.1: 1 of 1,614,174 alleles (0.000062%); highest among the groups gnomAD compares: Non-Finnish European, 0.000085%; no homozygotes.

Submission:

Labcorp Genetics (formerly Invitae), Labcorp
Classification: Uncertain significance for Progressive myoclonic epilepsy. Last evaluated: 2024-05-15. Review status: criteria provided, single submitter. Criteria: Invitae Variant Classification Sherloc (09022015). Collection method: clinical testing. Allele origin: germline.
Comment: This sequence change replaces isoleucine, which is neutral and non-polar, with serine, which is neutral and polar, at codon 195 of the SCARB2 protein (p.Ile195Ser). This variant is not present in population databases (gnomAD no frequency). This variant has not been reported in the literature in individuals affected with SCARB2-related conditions. ClinVar contains an entry for this variant (Variation ID: 1514633). Advanced modeling of protein sequence and biophysical properties (such as structural, functional, and spatial information, amino acid conservation, physicochemical variation, residue mobility, and thermodynamic stability) performed at Invitae indicates that this missense variant is not expected to disrupt SCARB2 protein function with a negative predictive value of 80%. In summary, the available evidence is currently insufficient to determine the role of this variant in disease. Therefore, it has been classified as a Variant of Uncertain Significance.